The following is an entry in ClinVar:

NM_001036.6(RYR3):c.3337G>A (p.Glu1113Lys)

Gene: RYR3 (ryanodine receptor 3; plus strand). Cytogenetic location: 15q14.
Variant type: single nucleotide variant.
Coding change: c.3337G>A on transcript NM_001036.6 (MANE Select); coding-DNA position 3337, G replaced by A.
Protein change: p.Glu1113Lys; replaces glutamic acid 1113 with lysine.
Molecular consequence: missense variant.
Genome position (GRCh38, 1-based): chr15:33,635,775, G>A. VCF-style: chr15-33635775-G-A. GRCh37 (hg19) VCF-style: chr15-33927976-G-A.
Other names: c.3337G>A, p.Glu1113Lys (NM_001243996.4); short protein forms E1113K.
Identifiers: ClinVar variation 530993 (VCV000530993.26), dbSNP rs745955551, ClinGen allele CA7458662.

ClinVar aggregate classification (germline): Uncertain significance. Review status: criteria provided, multiple submitters, no conflicts (2 of 4 stars). 2 submissions from 2 submitters: Uncertain significance (2). Last evaluated 2024-06-01.

Conditions:
Epileptic encephalopathy. Identifiers: MedGen C0543888, HP:0200134.

Allele frequency attached by ClinVar (database versions not stated): gnomAD exomes below 0.00001 and 0.00001; ExAC 0.00002; gnomAD 0.00003 and 0.00004; TOPMed 0.00003.
gnomAD v4.1: 11 of 1,613,552 alleles (0.00068%); highest among the groups gnomAD compares: African/African-American, 0.013%; no homozygotes.

Submissions (2):

CeGaT Center for Human Genetics Tuebingen
Classification: Uncertain significance. Last evaluated: 2024-06-01. Review status: criteria provided, single submitter. Criteria: CeGaT Center For Human Genetics Tuebingen Variant Classification Criteria Version 2. Collection method: clinical testing. Allele origin: germline. Affected: yes. Observed: 1 variant allele.
Comment: RYR3: PM2

Labcorp Genetics (formerly Invitae), Labcorp
Classification: Uncertain significance for Epileptic encephalopathy. Last evaluated: 2020-05-21. Review status: criteria provided, single submitter. Criteria: Invitae Variant Classification Sherloc (09022015). Collection method: clinical testing. Allele origin: germline.
Comment: In summary, the available evidence is currently insufficient to determine the role of this variant in disease. Therefore, it has been classified as a Variant of Uncertain Significance. Algorithms developed to predict the effect of missense changes on protein structure and function (SIFT, PolyPhen-2, Align-GVGD) all suggest that this variant is likely to be disruptive, but these predictions have not been confirmed by published functional studies and their clinical significance is uncertain. This variant has not been reported in the literature in individuals with RYR3-related disease. This variant is present in population databases (rs745955551, ExAC 0.02%). This sequence change replaces glutamic acid with lysine at codon 1113 of the RYR3 protein (p.Glu1113Lys). The glutamic acid residue is highly conserved and there is a small physicochemical difference between glutamic acid and lysine.